The following is an entry in ClinVar:

ClinVar aggregate classification (germline): Uncertain significance. Review status: criteria provided, multiple submitters, no conflicts (2 of 4 stars). 2 submissions from 2 submitters: Uncertain significance (2). Last evaluated 2025-10-24.

Conditions:
Inborn genetic diseases. Identifiers: MedGen C0950123, MeSH D030342.

Allele frequency attached by ClinVar (database versions not stated): ExAC 0.00001; gnomAD 0.00001; TOPMed 0.00001.
gnomAD v4.1: 1 of 1,613,730 alleles (0.000062%); highest among the groups gnomAD compares: African/African-American, 0.0013%; no homozygotes.

Submissions (2):

Labcorp Genetics (formerly Invitae), Labcorp
Classification: Uncertain significance. Last evaluated: 2025-10-24. Review status: criteria provided, single submitter. Criteria: Invitae Variant Classification Sherloc (09022015). Collection method: clinical testing. Allele origin: germline.
Comment: This sequence change replaces aspartic acid, which is acidic and polar, with tyrosine, which is neutral and polar, at codon 1568 of the ATR protein (p.Asp1568Tyr). This variant is present in population databases (rs766350941, gnomAD 0.007%). This variant has not been reported in the literature in individuals affected with ATR-related conditions. ClinVar contains an entry for this variant (Variation ID: 2447378). An algorithm developed to predict the effect of missense changes on protein structure and function outputs the following: PolyPhen-2: "Benign". The tyrosine amino acid residue is found in multiple mammalian species, which suggests that this missense change does not adversely affect protein function. In summary, the available evidence is currently insufficient to determine the role of this variant in disease. Therefore, it has been classified as a Variant of Uncertain Significance.

Ambry Genetics
Classification: Uncertain significance for Inborn genetic diseases. Last evaluated: 2023-01-26. Review status: criteria provided, single submitter. Criteria: Ambry Variant Classification Scheme 2023. Collection method: clinical testing. Allele origin: germline.
Comment: The p.D1568Y variant (also known as c.4702G>T), located in coding exon 27 of the ATR gene, results from a G to T substitution at nucleotide position 4702. The aspartic acid at codon 1568 is replaced by tyrosine, an amino acid with highly dissimilar properties. This amino acid position is conserved. In addition, this alteration is predicted to be tolerated by in silico analysis. Since supporting evidence is limited at this time, the clinical significance of this alteration remains unclear.

NM_001184.4(ATR):c.4702G>T (p.Asp1568Tyr)

Gene: ATR (ATR checkpoint kinase; minus strand). Cytogenetic location: 3q23.
Variant type: single nucleotide variant.
Coding change: c.4702G>T on transcript NM_001184.4 (MANE Select); coding-DNA position 4702, G replaced by T.
Protein change: p.Asp1568Tyr; replaces aspartic acid 1568 with tyrosine.
Molecular consequence: missense variant.
Genome position (GRCh38, 1-based): chr3:142,512,410, C>A on the plus strand (G>T on the coding strand, the complement: ATR is on the minus strand). VCF-style: chr3-142512410-C-A. GRCh37 (hg19) VCF-style: chr3-142231252-C-A.
Other names: c.4510G>T, p.Asp1504Tyr (NM_001354579.2); short protein forms D1568Y, D1504Y.
Identifiers: ClinVar variation 2447378 (VCV002447378.3), dbSNP rs766350941, ClinGen allele CA2649775.